The following is an entry in ClinVar:

ClinVar aggregate classification (germline): Uncertain significance (1 of 4 stars; one submission).

Submission:

Dasa
Classification: Uncertain significance. Last evaluated: 2025-08-15. Review status: criteria provided, single submitter. Criteria: DASA Assertion Criteria. Collection method: clinical testing. Allele origin: germline.
Comment: NM_002049.4(GATA1):c.714C>G (p.Asn238Lys) is a missense variant that results in the substitution of asparagine with lysine. The affected residue or protein region has prior evidence supporting clinical relevance. This variant is absent from population databases. Computational prediction algorithms are consistent with a deleterious effect. The currently available literature and clinical evidence are not sufficient to establish a definitive association between this variant and the reported condition. Therefore, this variant is classified as a variant of uncertain significance.

NM_002049.4(GATA1):c.714C>G (p.Asn238Lys)

Gene: GATA1 (GATA binding protein 1; plus strand). Cytogenetic location: Xp11.23.
Variant type: single nucleotide variant.
Coding change: c.714C>G on transcript NM_002049.4 (MANE Select); coding-DNA position 714, C replaced by G.
Protein change: p.Asn238Lys; replaces asparagine 238 with lysine.
Molecular consequence: missense variant.
Genome position (GRCh38, 1-based): chrX:48,792,438, C>G. VCF-style: chrX-48792438-C-G. GRCh37 (hg19) VCF-style: chrX-48650845-C-G.
Other names: short protein forms N238K.
Identifiers: ClinVar variation 4885565 (VCV004885565.2).
Genomic context (GRCh38, chrX:48,792,438, plus strand): 5'-CAGGACAGGCCACTACCTATGCAACGCCTGCGGCCTCTATCACAAGATGAATGGGCAGAA[C>G]AGGCCCCTCATCCGGCCCAAGAAGCGCCTGGTAAGACCACAGACCTGCTTCACCTTATAC-3'
Protein context (NP_002040.1, residues 228-248): CGLYHKMNGQ[Asn238Lys]RPLIRPKKRL